The following is an entry in ClinVar:

NM_015213.4(DENND5A):c.2131T>A (p.Leu711Ile)

Genes: DENND5A (DENN domain containing 5A; minus strand), LOC126861134 (CDK7 strongly-dependent group 2 enhancer GRCh37_chr11:9190693-9191892; plus strand). Cytogenetic location: 11p15.4.
Variant type: single nucleotide variant.
Coding change: c.2131T>A on transcript NM_015213.4 (MANE Select); coding-DNA position 2131, T replaced by A.
Protein change: p.Leu711Ile; replaces leucine 711 with isoleucine.
Molecular consequence: missense variant. On other transcripts: non-coding transcript variant (1).
Genome position (GRCh38, 1-based): chr11:9,169,876, A>T on the plus strand (T>A on the coding strand, the complement: DENND5A is on the minus strand). VCF-style: chr11-9169876-A-T. GRCh37 (hg19) VCF-style: chr11-9191423-A-T.
Other names: c.2131T>A, p.Leu711Ile (NM_001243254.2, NM_001348748.1); c.2059T>A, p.Leu687Ile (NM_001348749.2); c.1843T>A, p.Leu615Ile (NM_001348750.2); short protein forms L711I, L687I, L615I.
Identifiers: ClinVar variation 2097595 (VCV002097595.4), dbSNP rs1164888651, ClinGen allele CA379611405.

ClinVar aggregate classification (germline): Uncertain significance (1 of 4 stars; one submission).

Allele frequency attached by ClinVar (database versions not stated): gnomAD exomes below 0.00001.
gnomAD v4.1: 3 of 1,612,432 alleles (0.00019%); highest among the groups gnomAD compares: South Asian, 0.0033%; no homozygotes.

Submission:

Labcorp Genetics (formerly Invitae), Labcorp
Classification: Uncertain significance. Last evaluated: 2022-08-23. Review status: criteria provided, single submitter. Criteria: Invitae Variant Classification Sherloc (09022015). Collection method: clinical testing. Allele origin: germline.
Comment: This variant has not been reported in the literature in individuals affected with DENND5A-related conditions. Algorithms developed to predict the effect of missense changes on protein structure and function (SIFT, PolyPhen-2, Align-GVGD) all suggest that this variant is likely to be tolerated. In summary, the available evidence is currently insufficient to determine the role of this variant in disease. Therefore, it has been classified as a Variant of Uncertain Significance. This sequence change replaces leucine, which is neutral and non-polar, with isoleucine, which is neutral and non-polar, at codon 711 of the DENND5A protein (p.Leu711Ile). This variant is present in population databases (no rsID available, gnomAD 0.003%).